The following is an entry in ClinVar:

ClinVar aggregate classification (germline): Uncertain significance (1 of 4 stars; one submission).

Allele frequency attached by ClinVar (database versions not stated): gnomAD exomes 0.00001; TOPMed 0.00001.
gnomAD v4.1: 4 of 1,612,742 alleles (0.00025%); highest among the groups gnomAD compares: Non-Finnish European, 0.00025%; no homozygotes.

Submission:

Labcorp Genetics (formerly Invitae), Labcorp
Classification: Uncertain significance. Last evaluated: 2023-10-13. Review status: criteria provided, single submitter. Criteria: Invitae Variant Classification Sherloc (09022015). Collection method: clinical testing. Allele origin: germline.
Comment: This sequence change replaces arginine, which is basic and polar, with glutamine, which is neutral and polar, at codon 228 of the GATAD2B protein (p.Arg228Gln). This variant is present in population databases (no rsID available, gnomAD 0.006%). This variant has not been reported in the literature in individuals affected with GATAD2B-related conditions. Advanced modeling of protein sequence and biophysical properties (such as structural, functional, and spatial information, amino acid conservation, physicochemical variation, residue mobility, and thermodynamic stability) performed at Invitae indicates that this missense variant is not expected to disrupt GATAD2B protein function. In summary, the available evidence is currently insufficient to determine the role of this variant in disease. Therefore, it has been classified as a Variant of Uncertain Significance.

NM_020699.4(GATAD2B):c.683G>A (p.Arg228Gln)

Gene: GATAD2B (GATA zinc finger domain containing 2B; minus strand). Cytogenetic location: 1q21.3.
Variant type: single nucleotide variant.
Coding change: c.683G>A on transcript NM_020699.4 (MANE Select); coding-DNA position 683, G replaced by A.
Protein change: p.Arg228Gln; replaces arginine 228 with glutamine.
Molecular consequence: missense variant.
Genome position (GRCh38, 1-based): chr1:153,818,086, C>T on the plus strand (G>A on the coding strand, the complement: GATAD2B is on the minus strand). VCF-style: chr1-153818086-C-T. GRCh37 (hg19) VCF-style: chr1-153790562-C-T.
Other names: short protein forms R228Q.
Identifiers: ClinVar variation 2963549 (VCV002963549.3), dbSNP rs1331366154, ClinGen allele CA342531746.
Genomic context (GRCh38, chr1:153,818,086, plus strand): 5'-TATGGGTCACATACCTGTAATGTTCTCAAATTTTGAGGTTCAACCCCTTGGGCCCCAGGC[C>T]GAGAGGGAAGCTTAGATAGGCCCTGCTGTCCCACATGGGCAGGAGATGGCTGAACAATAG-3'
Protein context (NP_065750.1, residues 218-238): GQQGLSKLPS[Arg228Gln]PGAQGVEPQN